The following is an entry in ClinVar:

ClinVar aggregate classification (germline): Uncertain significance (1 of 4 stars; one submission).

Conditions:
Hereditary spastic paraplegia 11. Also called: SPASTIC PARAPLEGIA, AUTOSOMAL RECESSIVE, COMPLICATED, WITH THIN CORPUS CALLOSUM; SPASTIC PARAPLEGIA, AUTOSOMAL RECESSIVE, WITH MENTAL IMPAIRMENT AND THIN CORPUS CALLOSUM; Nakamura Osame syndrome; Autosomal recessive hereditary spastic paraplegia, mental impairment, and thin corpus callosum; Spastic paraplegia, mental retardation and thin corpus callosum; Spastic Paraplegia 11. Identifiers: Orphanet 2822, MedGen C1858479, MONDO:0011445, OMIM 604360.

Allele frequency attached by ClinVar (database versions not stated): gnomAD exomes below 0.00001.
gnomAD v4.1: 1 of 1,613,792 alleles (0.000062%); highest among the groups gnomAD compares: Admixed American, 0.0017%; no homozygotes.

Submission:

Labcorp Genetics (formerly Invitae), Labcorp
Classification: Uncertain significance for Hereditary spastic paraplegia 11. Last evaluated: 2022-09-06. Review status: criteria provided, single submitter. Criteria: Invitae Variant Classification Sherloc (09022015). Collection method: clinical testing. Allele origin: germline.
Comment: This sequence change replaces aspartic acid, which is acidic and polar, with glutamic acid, which is acidic and polar, at codon 1174 of the SPG11 protein (p.Asp1174Glu). This variant is present in population databases (no rsID available, gnomAD 0.003%). This variant has not been reported in the literature in individuals affected with SPG11-related conditions. ClinVar contains an entry for this variant (Variation ID: 1411551). Algorithms developed to predict the effect of missense changes on protein structure and function are either unavailable or do not agree on the potential impact of this missense change (SIFT: "Tolerated"; PolyPhen-2: "Possibly Damaging"; Align-GVGD: "Class C0"). Algorithms developed to predict the effect of sequence changes on RNA splicing suggest that this variant may create or strengthen a splice site. In summary, the available evidence is currently insufficient to determine the role of this variant in disease. Therefore, it has been classified as a Variant of Uncertain Significance.

NM_025137.4(SPG11):c.3522T>G (p.Asp1174Glu)

Gene: SPG11 (SPG11 vesicle trafficking associated, spatacsin; minus strand). Cytogenetic location: 15q21.1.
Variant type: single nucleotide variant.
Coding change: c.3522T>G on transcript NM_025137.4 (MANE Select); coding-DNA position 3522, T replaced by G.
Protein change: p.Asp1174Glu; replaces aspartic acid 1174 with glutamic acid.
Molecular consequence: missense variant.
Genome position (GRCh38, 1-based): chr15:44,600,631, A>C on the plus strand (T>G on the coding strand, the complement: SPG11 is on the minus strand). VCF-style: chr15-44600631-A-C. GRCh37 (hg19) VCF-style: chr15-44892829-A-C.
Other names: c.3522T>G, p.Asp1174Glu (NM_001160227.2); short protein forms D1174E.
Identifiers: ClinVar variation 1411551 (VCV001411551.3), dbSNP rs777278944, ClinGen allele CA392231369.
Genomic context (GRCh38, chr15:44,600,631, plus strand): 5'-CACTATAGCATATTTATTAACCAGGTCAGGGCTAGAGAAATGTGGGAGATGACTCCATGC[A>C]TCTAGGGGGAAAGTAAAACAATATTAATTATCTGTATATCACCATAATTAATTTCAGATT-3'
Protein context (NP_079413.3, residues 1164-1184): WQSANTLAIG[Asp1174Glu]AWSHLPHFSS